The following is an entry in ClinVar:

ClinVar aggregate classification (germline): Likely benign. Review status: criteria provided, multiple submitters, no conflicts (2 of 4 stars). 2 submissions from 2 submitters: Likely benign (2). Last evaluated 2026-07-01.

gnomAD v4.1: 59 of 1,614,066 alleles (0.0037%); highest among the groups gnomAD compares: Non-Finnish European, 0.005%; no homozygotes.

Submissions (3):

CeGaT Center for Human Genetics Tuebingen
Classification: Likely benign. Last evaluated: 2026-07-01. Review status: criteria provided, single submitter. Criteria: CeGaT Center For Human Genetics Tuebingen Variant Classification Criteria Version 2. Collection method: clinical testing. Allele origin: germline. Affected: yes. Observed: 3 variant alleles.
Comment: TERF2IP: BP4, BP7

Ambry Genetics
Classification: Likely benign. Last evaluated: 2022-02-21. Review status: criteria provided, single submitter. Criteria: Ambry Variant Classification Scheme 2023. Collection method: clinical testing. Allele origin: germline.

Dr. Peter K. Rogan Lab, Western University
No classification provided (evidence only). Condition: Thyroid cancer, nonmedullary, 1. Review status: no classification provided. Collection method: in vitro. Allele origin: not applicable. Functional consequence: retained intron. Not counted in ClinVar's aggregate classification.

NM_018975.4(TERF2IP):c.1053G>T (p.Ala351=)

Gene: TERF2IP (TERF2 interacting protein; plus strand). Cytogenetic location: 16q23.1.
Variant type: single nucleotide variant.
Coding change: c.1053G>T on transcript NM_018975.4 (MANE Select); coding-DNA position 1053, G replaced by T.
Protein change: p.Ala351=; no amino-acid change (alanine 351 retained).
Molecular consequence: synonymous variant. On other transcripts: non-coding transcript variant (1).
Genome position (GRCh38, 1-based): chr16:75,656,464, G>T. VCF-style: chr16-75656464-G-T. GRCh37 (hg19) VCF-style: chr16-75690362-G-T.
Other names: NC_000016.9:g.75690362G>T.
Identifiers: ClinVar variation 1777942 (VCV001777942.25), dbSNP rs200023051, ClinGen allele CA8178152.
Genomic context (GRCh38, chr16:75,656,464, plus strand): 5'-AGTTACACAGGCCTTCCTAAAAAATAGTGGTGAGCTGGAGGCTACTTCCGCCTTCTTAGC[G>T]TCTGGTCAGAGAGCTGATGGATATCCCATTTGGTCCCGACAAGATGACATAGATTTGCAA-3'
Protein context (NP_061848.2, residues 341-361): GELEATSAFL[Ala351=]SGQRADGYPI